The following is an entry in ClinVar:

NM_201384.3(PLEC):c.13459G>A (p.Ala4487Thr)

Gene: PLEC (plectin; minus strand). Cytogenetic location: 8q24.3.
Variant type: single nucleotide variant.
Coding change: c.13459G>A on transcript NM_201384.3 (MANE Select); coding-DNA position 13459, G replaced by A.
Protein change: p.Ala4487Thr; replaces alanine 4487 with threonine.
Molecular consequence: missense variant.
Genome position (GRCh38, 1-based): chr8:143,916,362, C>T on the plus strand (G>A on the coding strand, the complement: PLEC is on the minus strand). VCF-style: chr8-143916362-C-T. GRCh37 (hg19) VCF-style: chr8-144990530-C-T.
Other names: c.13540G>A, p.Ala4514Thr (NM_000445.5); c.13417G>A, p.Ala4473Thr (NM_201378.4); c.13393G>A, p.Ala4465Thr (NM_201379.3); c.13870G>A, p.Ala4624Thr (NM_201380.4); c.13363G>A, p.Ala4455Thr (NM_201381.3); c.13459G>A, p.Ala4487Thr (NM_201382.4); c.13471G>A, p.Ala4491Thr (NM_201383.3); short protein forms A4455T, A4465T, A4473T, A4487T, A4491T, A4514T, A4624T.
Identifiers: ClinVar variation 498663 (VCV000498663.16), dbSNP rs781850956, ClinGen allele CA4923803.

ClinVar aggregate classification (germline): Conflicting classifications of pathogenicity. Review status: criteria provided, conflicting classifications (1 of 4 stars). 3 submissions from 3 submitters: Uncertain significance (2); Likely benign (1). Last evaluated 2024-02-23.

Conditions:
Epidermolysis bullosa simplex 5B, with muscular dystrophy (EBS5B). Also called: EPIDERMOLYSIS BULLOSA SIMPLEX AND LIMB-GIRDLE MUSCULAR DYSTROPHY; Epidermolysis bullosa simplex with muscular dystrophy. Identifiers: Orphanet 257, MedGen C2931072, MONDO:0009181, OMIM 226670.
Autosomal recessive limb-girdle muscular dystrophy type 2Q (LGMDR17). Also called: MUSCULAR DYSTROPHY, LIMB-GIRDLE, AUTOSOMAL RECESSIVE 17. Identifiers: Orphanet 254361, MedGen C3150989, MONDO:0013390, OMIM 613723.
Epidermolysis bullosa simplex, Ogna type (EBS5A). Also called: Pidermolysis bullosa simplex 5A, Ogna type; EPIDERMOLYSIS BULLOSA SIMPLEX 5A, OGNA TYPE. Identifiers: Orphanet 79401, MedGen C0432317, MONDO:0007555, OMIM 131950.
Epidermolysis bullosa simplex with nail dystrophy (EBS5D). Identifiers: MedGen C4225309, MONDO:0014661, OMIM 616487.
Epidermolysis bullosa simplex 5C, with pyloric atresia (EBS5C). Also called: PLEC-Related Epidermolysis Bullosa with Pyloric Atresia; Epidermolysis bullosa simplex with pyloric atresia; PLEC1-Related Epidermolysis Bullosa with Pyloric Atresia. Identifiers: Orphanet 158684, MedGen C2677349, MONDO:0012807, OMIM 612138.

Allele frequency attached by ClinVar (database versions not stated): gnomAD 0.00004 and 0.00005; TOPMed 0.00005; ExAC 0.00015; 1000 Genomes Project 30x 0.00016.
gnomAD v4.1: 81 of 1,607,266 alleles (0.005%); highest among the groups gnomAD compares: Middle Eastern, 0.017%; no homozygotes.

Submissions (3):

Labcorp Genetics (formerly Invitae), Labcorp
Classification: Uncertain significance for Autosomal recessive limb-girdle muscular dystrophy type 2Q; Epidermolysis bullosa simplex, Ogna type; Epidermolysis bullosa simplex with nail dystrophy; Epidermolysis bullosa simplex 5C, with pyloric atresia; Epidermolysis bullosa simplex 5B, with muscular dystrophy. Last evaluated: 2024-02-23. Review status: criteria provided, single submitter. Criteria: Invitae Variant Classification Sherloc (09022015). Collection method: clinical testing. Allele origin: germline.
Comment: This sequence change replaces alanine, which is neutral and non-polar, with threonine, which is neutral and polar, at codon 4514 of the PLEC protein (p.Ala4514Thr). This variant is present in population databases (rs781850956, gnomAD 0.01%). This variant has not been reported in the literature in individuals affected with PLEC-related conditions. ClinVar contains an entry for this variant (Variation ID: 498663). Advanced modeling of protein sequence and biophysical properties (such as structural, functional, and spatial information, amino acid conservation, physicochemical variation, residue mobility, and thermodynamic stability) performed at Invitae indicates that this missense variant is not expected to disrupt PLEC protein function with a negative predictive value of 80%. In summary, the available evidence is currently insufficient to determine the role of this variant in disease. Therefore, it has been classified as a Variant of Uncertain Significance.

Blueprint Genetics
Classification: Likely benign. Last evaluated: 2023-03-27. Review status: criteria provided, single submitter. Criteria: ACMG Guidelines, 2015. Collection method: clinical testing. Allele origin: germline.

Eurofins Ntd Llc (ga)
Classification: Uncertain significance. Last evaluated: 2016-12-28. Review status: criteria provided, single submitter. Criteria: EGL Classification Definitions 2015. Collection method: clinical testing. Allele origin: germline. Observed: 1 variant allele, 1 heterozygote.